The following is an entry in ClinVar:

NM_001171613.2(PREPL):c.1844A>G (p.Lys615Arg)

Genes: PREPL (prolyl endopeptidase like; minus strand), SLC3A1 (solute carrier family 3 member 1; plus strand). Cytogenetic location: 2p21.
Variant type: single nucleotide variant.
Coding change: c.1844A>G on transcript NM_001171613.2 (MANE Select); coding-DNA position 1844, A replaced by G.
Protein change: p.Lys615Arg; replaces lysine 615 with arginine.
Molecular consequence: missense variant. On other transcripts: 3 prime UTR variant (1).
Genome position (GRCh38, 1-based): chr2:44,321,429, T>C on the plus strand (A>G on the coding strand, the complement: PREPL is on the minus strand). VCF-style: chr2-44321429-T-C. GRCh37 (hg19) VCF-style: chr2-44548568-T-C.
Other names: c.*790T>C (NM_000341.4); c.1925A>G, p.Lys642Arg (NM_001042385.2); c.1913A>G, p.Lys638Arg (NM_001042386.2); c.2111A>G, p.Lys704Arg (NM_001171603.1, NM_001171606.2, NM_001374275.1 and 2 more transcripts); c.1844A>G, p.Lys615Arg (NM_001171617.1, NM_001374277.1); short protein forms K642R, K615R, K638R, K704R.
Identifiers: ClinVar variation 861847 (VCV000861847.7), dbSNP rs138348037, ClinGen allele CA1640880.

ClinVar aggregate classification (germline): Uncertain significance. Review status: criteria provided, multiple submitters, no conflicts (2 of 4 stars). 3 submissions from 3 submitters: Uncertain significance (3). Last evaluated 2022-10-13.

Conditions:
Inborn genetic diseases. Identifiers: MedGen C0950123, MeSH D030342.
Myasthenic syndrome, congenital, 22 (CMS22). Also called: PREPL DEFICIENCY. Identifiers: MedGen C4479088, MONDO:0044299, OMIM 616224.

Allele frequency attached by ClinVar (database versions not stated): gnomAD exomes 0.00003 and 0.00010; ExAC 0.00015; ESP Exome Variant Server 0.00015; 1000 Genomes Project 30x 0.00016; 1000 Genomes Project 0.00020; gnomAD 0.00042 and 0.00049; TOPMed 0.00048.
gnomAD v4.1: 118 of 1,612,816 alleles (0.0073%); highest among the groups gnomAD compares: African/African-American, 0.14%; no homozygotes.

Submissions (3):

Labcorp Genetics (formerly Invitae), Labcorp
Classification: Uncertain significance for Myasthenic syndrome, congenital, 22. Last evaluated: 2022-10-13. Review status: criteria provided, single submitter. Criteria: Invitae Variant Classification Sherloc (09022015). Collection method: clinical testing. Allele origin: germline.
Comment: This sequence change replaces lysine, which is basic and polar, with arginine, which is basic and polar, at codon 704 of the PREPL protein (p.Lys704Arg). This variant is present in population databases (rs138348037, gnomAD 0.1%). This variant has not been reported in the literature in individuals affected with PREPL-related conditions. ClinVar contains an entry for this variant (Variation ID: 861847). Advanced modeling of protein sequence and biophysical properties (such as structural, functional, and spatial information, amino acid conservation, physicochemical variation, residue mobility, and thermodynamic stability) performed at Invitae indicates that this missense variant is not expected to disrupt PREPL protein function. In summary, the available evidence is currently insufficient to determine the role of this variant in disease. Therefore, it has been classified as a Variant of Uncertain Significance.

Ambry Genetics
Classification: Uncertain significance for Inborn genetic diseases. Last evaluated: 2021-09-22. Review status: criteria provided, single submitter. Criteria: Ambry Variant Classification Scheme 2023. Collection method: clinical testing. Allele origin: germline.

Breakthrough Genomics
Classification: Uncertain significance. Review status: criteria provided, single submitter. Criteria: ACMG Guidelines, 2015. Collection method: not provided. Allele origin: germline. Inheritance: Autosomal recessive inheritance. Affected: yes.